The following is an entry in ClinVar:

ClinVar aggregate classification (germline): Uncertain significance. Review status: criteria provided, multiple submitters, no conflicts (2 of 4 stars). 3 submissions from 3 submitters: Uncertain significance (3). Last evaluated 2024-10-01.

Conditions:
Myofibrillar myopathy 5. Also called: Filaminopathy (type); FILAMINOPATHY, AUTOSOMAL DOMINANT. Identifiers: Orphanet 171445, MedGen C1836050, MONDO:0012289, OMIM 609524.
Distal myopathy with posterior leg and anterior hand involvement. Also called: WILLIAMS DISTAL MYOPATHY. Identifiers: Orphanet 63273, MedGen C3279722, MONDO:0013550, OMIM 614065.
Hypertrophic cardiomyopathy 26. Also called: Cardiomyopathy, familial hypertrophic, 26. Identifiers: Orphanet 75249, MedGen C4310749, MONDO:0014883, OMIM 617047.
Cardiovascular phenotype. Identifiers: MedGen CN230736.

Submissions (3):

CeGaT Center for Human Genetics Tuebingen
Classification: Uncertain significance. Last evaluated: 2024-10-01. Review status: criteria provided, single submitter. Criteria: CeGaT Center For Human Genetics Tuebingen Variant Classification Criteria Version 2. Collection method: clinical testing. Allele origin: germline. Affected: yes. Observed: 1 variant allele.
Comment: FLNC: PM2, PP3, BP5

Ambry Genetics
Classification: Uncertain significance for Cardiovascular phenotype. Last evaluated: 2024-04-13. Review status: criteria provided, single submitter. Criteria: Ambry Variant Classification Scheme 2023. Collection method: clinical testing. Allele origin: germline.
Comment: The p.P2120S variant (also known as c.6358C>T), located in coding exon 38 of the FLNC gene, results from a C to T substitution at nucleotide position 6358. The proline at codon 2120 is replaced by serine, an amino acid with similar properties. This amino acid position is conserved. In addition, this alteration is predicted to be deleterious by in silico analysis. Based on the available evidence, the clinical significance of this variant remains unclear.

Labcorp Genetics (formerly Invitae), Labcorp
Classification: Uncertain significance for Distal myopathy with posterior leg and anterior hand involvement; Myofibrillar myopathy 5; Hypertrophic cardiomyopathy 26. Last evaluated: 2024-04-10. Review status: criteria provided, single submitter. Criteria: Invitae Variant Classification Sherloc (09022015). Collection method: clinical testing. Allele origin: germline.
Comment: This sequence change replaces proline, which is neutral and non-polar, with serine, which is neutral and polar, at codon 2120 of the FLNC protein (p.Pro2120Ser). This variant is not present in population databases (gnomAD no frequency). This variant has not been reported in the literature in individuals affected with FLNC-related conditions. Advanced modeling of protein sequence and biophysical properties (such as structural, functional, and spatial information, amino acid conservation, physicochemical variation, residue mobility, and thermodynamic stability) has been performed at Invitae for this missense variant, however the output from this modeling did not meet the statistical confidence thresholds required to predict the impact of this variant on FLNC protein function. In summary, the available evidence is currently insufficient to determine the role of this variant in disease. Therefore, it has been classified as a Variant of Uncertain Significance.

NM_001458.5(FLNC):c.6358C>T (p.Pro2120Ser)

Genes: FLNC (filamin C; plus strand), FLNC-AS1 (FLNC antisense RNA 1; minus strand). Cytogenetic location: 7q32.1.
Variant type: single nucleotide variant.
Coding change: c.6358C>T on transcript NM_001458.5 (MANE Select); coding-DNA position 6358, C replaced by T.
Protein change: p.Pro2120Ser; replaces proline 2120 with serine.
Molecular consequence: missense variant.
Genome position (GRCh38, 1-based): chr7:128,853,618, C>T. VCF-style: chr7-128853618-C-T. GRCh37 (hg19) VCF-style: chr7-128493672-C-T.
Other names: c.6259C>T, p.Pro2087Ser (NM_001127487.2); short protein forms P2087S, P2120S.
Identifiers: ClinVar variation 2946840 (VCV002946840.18), dbSNP rs758328562, ClinGen allele CA369212362.
Genomic context (GRCh38, chr7:128,853,618, plus strand): 5'-TACTGCCCCACCGAGCCCGGCACCTACATCATCAACATCAAGTTTGCTGACAAGCACGTG[C>T]CTGGTAAGGCTCTGGGCAGAGGTCGGTGGCGAGAGACAGGGAGGCCAGGAGGCTGGGGCT-3'
Protein context (NP_001449.3, residues 2110-2130): INIKFADKHV[Pro2120Ser]GSPFTVKVTG